The following is an entry in ClinVar:

NM_020702.5(MYORG):c.1607C>T (p.Pro536Leu)

Gene: MYORG (myogenesis regulating glycosidase; minus strand). Cytogenetic location: 9p13.3.
Variant type: single nucleotide variant.
Coding change: c.1607C>T on transcript NM_020702.5 (MANE Select); coding-DNA position 1607, C replaced by T.
Protein change: p.Pro536Leu; replaces proline 536 with leucine.
Molecular consequence: missense variant.
Genome position (GRCh38, 1-based): chr9:34,371,337, G>A on the plus strand (C>T on the coding strand, the complement: MYORG is on the minus strand). VCF-style: chr9-34371337-G-A. GRCh37 (hg19) VCF-style: chr9-34371335-G-A.
Other names: short protein forms P536L.
Identifiers: ClinVar variation 1039107 (VCV001039107.10), dbSNP rs1820592071, ClinGen allele CA373240336.

ClinVar aggregate classification (germline): Uncertain significance. Review status: criteria provided, multiple submitters, no conflicts (2 of 4 stars). 2 submissions from 2 submitters: Uncertain significance (2). Last evaluated 2022-06-15.

Conditions:
Basal ganglia calcification, idiopathic, 7, autosomal recessive. Also called: PRIMARY FAMILIAL BRAIN CALCIFICATION 7, AUTOSOMAL RECESSIVE. Identifiers: MedGen C5193025, MONDO:0032673, OMIM 618317.

Allele frequency attached by ClinVar (database versions not stated): gnomAD exomes below 0.00001; TOPMed 0.00001.

Submissions (2):

MGZ Medical Genetics Center
Classification: Uncertain significance for Basal ganglia calcification, idiopathic, 7, autosomal recessive. Last evaluated: 2022-06-15. Review status: criteria provided, single submitter. Criteria: ACMG Guidelines, 2015. Collection method: clinical testing. Allele origin: germline. Affected: yes. Observed: 2 variant alleles.
Comment: ACMG criteria applied: PM2_SUP

Labcorp Genetics (formerly Invitae), Labcorp
Classification: Uncertain significance. Last evaluated: 2020-09-17. Review status: criteria provided, single submitter. Criteria: Invitae Variant Classification Sherloc (09022015). Collection method: clinical testing. Allele origin: germline.
Comment: In summary, the available evidence is currently insufficient to determine the role of this variant in disease. Therefore, it has been classified as a Variant of Uncertain Significance. Algorithms developed to predict the effect of missense changes on protein structure and function are either unavailable or do not agree on the potential impact of this missense change (SIFT: "Deleterious"; PolyPhen-2: "Not Available"; Align-GVGD: "Class C15"). This variant has been observed in individual(s) with clinical features of primary basal ganglia calcification (Invitae). This variant is not present in population databases (ExAC no frequency). This sequence change replaces proline with leucine at codon 536 of the KIAA1161 protein (p.Pro536Leu). The proline residue is highly conserved and there is a moderate physicochemical difference between proline and leucine.